The following is an entry in ClinVar:

ClinVar aggregate classification (germline): Uncertain significance (0 of 4 stars; one submission).

Conditions:
WASF1-related disorder. Also called: WASF1-related condition.

Submission:

PreventionGenetics, part of Exact Sciences
Classification: Uncertain significance for WASF1-related condition. Last evaluated: 2024-08-31. Review status: no assertion criteria provided. Collection method: clinical testing. Allele origin: germline.
Comment: The WASF1 c.650A>G variant is predicted to result in the amino acid substitution p.Asp217Gly. To our knowledge, this variant has not been reported in the literature or in a large population database, indicating this variant is rare. At this time, the clinical significance of this variant is uncertain due to the absence of conclusive functional and genetic evidence.

NM_003931.3(WASF1):c.650A>G (p.Asp217Gly)

Gene: WASF1 (WASP family member 1; minus strand). Cytogenetic location: 6q21.
Variant type: single nucleotide variant.
Coding change: c.650A>G on transcript NM_003931.3 (MANE Select); coding-DNA position 650, A replaced by G.
Protein change: p.Asp217Gly; replaces aspartic acid 217 with glycine.
Molecular consequence: missense variant.
Genome position (GRCh38, 1-based): chr6:110,105,470, T>C on the plus strand (A>G on the coding strand, the complement: WASF1 is on the minus strand). VCF-style: chr6-110105470-T-C. GRCh37 (hg19) VCF-style: chr6-110426673-T-C.
Other names: c.650A>G, p.Asp217Gly (NM_001024934.2, NM_001024935.2, NM_001024936.2); short protein forms D217G.
Identifiers: ClinVar variation 3347834 (VCV003347834.1).